The following is an entry in ClinVar:

ClinVar aggregate classification (germline): Conflicting classifications of pathogenicity. Review status: criteria provided, conflicting classifications (1 of 4 stars). 4 submissions from 4 submitters: Uncertain significance (3); Likely benign (1). Last evaluated 2024-11-25.

Conditions:
Arrhythmogenic right ventricular cardiomyopathy (ARVD). Also called: Cardiomyopathy, ARVC; Arrhythmogenic right ventricular dysplasia; Arrhythmogenic cardiomyopathy; Arrhythmogenic Right Ventricular Cardiomyopathy (ARVC). Identifiers: Orphanet 247, MedGen C0349788, MeSH D019571, MONDO:0016587. Disease mechanism: loss of function. Inheritance: Various modes of inheritance.
Cardiomyopathy (CMYO). Also called: Cardiomyopathies. Identifiers: Orphanet 167848, MedGen C0878544, MONDO:0004994, HP:0001638. Inheritance: Various modes of inheritance.
Arrhythmogenic right ventricular dysplasia 10. Also called: Arrhythmogenic right ventricular dysplasia/cardiomyopathy, type 10; Arrhythmogenic Right Ventricular Dysplasia/Cardiomyopathy10; ARRHYTHMOGENIC RIGHT VENTRICULAR DYSPLASIA, FAMILIAL, 10. Identifiers: MedGen C1857777, MONDO:0012434, OMIM 610193.
Cardiovascular phenotype. Identifiers: MedGen CN230736.

Allele frequency attached by ClinVar (database versions not stated): ExAC 0.00001; gnomAD 0.00001; gnomAD exomes 0.00001; TOPMed 0.00001; ESP Exome Variant Server 0.00008.
gnomAD v4.1: 19 of 1,614,022 alleles (0.0012%); highest among the groups gnomAD compares: East Asian, 0.033%; no homozygotes.

Submissions (4):

Color Diagnostics, LLC DBA Color Health
Classification: Likely benign for Cardiomyopathy. Last evaluated: 2024-11-25. Review status: criteria provided, single submitter. Criteria: ACMG Guidelines, 2015. Collection method: clinical testing. Allele origin: germline.

Ambry Genetics
Classification: Uncertain significance for Cardiovascular phenotype. Last evaluated: 2024-10-09. Review status: criteria provided, single submitter. Criteria: Ambry Variant Classification Scheme 2023. Collection method: clinical testing. Allele origin: germline.

Labcorp Genetics (formerly Invitae), Labcorp
Classification: Uncertain significance for Arrhythmogenic right ventricular dysplasia 10. Last evaluated: 2024-10-07. Review status: criteria provided, single submitter. Criteria: Invitae Variant Classification Sherloc (09022015). Collection method: clinical testing. Allele origin: germline.
Comment: This sequence change replaces histidine, which is basic and polar, with arginine, which is basic and polar, at codon 595 of the DSG2 protein (p.His595Arg). This variant is present in population databases (rs371326860, gnomAD 0.005%). This variant has not been reported in the literature in individuals affected with DSG2-related conditions. ClinVar contains an entry for this variant (Variation ID: 1497799). Invitae Evidence Modeling of protein sequence and biophysical properties (such as structural, functional, and spatial information, amino acid conservation, physicochemical variation, residue mobility, and thermodynamic stability) indicates that this missense variant is not expected to disrupt DSG2 protein function with a negative predictive value of 95%. In summary, the available evidence is currently insufficient to determine the role of this variant in disease. Therefore, it has been classified as a Variant of Uncertain Significance.

All of Us Research Program, National Institutes of Health
Classification: Uncertain significance for Arrhythmogenic right ventricular cardiomyopathy. Last evaluated: 2024-01-11. Review status: criteria provided, single submitter. Criteria: ACMG Guidelines, 2015. Collection method: clinical testing. Allele origin: germline. Inheritance: Autosomal dominant inheritance. Observed: 2 variant alleles, 2 heterozygotes.
Comment: This missense variant replaces histidine with arginine at codon 595 of the DSG2 protein. Computational prediction suggests that this variant may not impact protein structure and function (internally defined REVEL score threshold <= 0.5, PMID: 27666373). To our knowledge, functional studies have not been reported for this variant. This variant has not been reported in individuals affected with DSG2-related disorders in the literature. This variant has been identified in 3/280564 chromosomes in the general population by the Genome Aggregation Database (gnomAD). The available evidence is insufficient to determine the role of this variant in disease conclusively. Therefore, this variant is classified as a Variant of Uncertain Significance.

This study involves interpretation of variants in research participants for the purpose of population health screening. Participant phenotype was not available at the time of variant classification. Additional details can be found in publication PMID: 35346344, PMCID: PMC8962531

NM_001943.5(DSG2):c.1784A>G (p.His595Arg)

Gene: DSG2 (desmoglein 2; plus strand). Cytogenetic location: 18q12.1.
Variant type: single nucleotide variant.
Coding change: c.1784A>G on transcript NM_001943.5 (MANE Select); coding-DNA position 1784, A replaced by G.
Protein change: p.His595Arg; replaces histidine 595 with arginine.
Molecular consequence: missense variant.
Genome position (GRCh38, 1-based): chr18:31,538,883, A>G. VCF-style: chr18-31538883-A-G. GRCh37 (hg19) VCF-style: chr18-29118846-A-G.
Other names: c.1784A>G (NM_001943.3); short protein forms H595R.
Identifiers: ClinVar variation 1497799 (VCV001497799.10), dbSNP rs371326860, ClinGen allele CA043672.